The following is an entry in ClinVar:

ClinVar aggregate classification (germline): Uncertain significance (1 of 4 stars; one submission).

Conditions:
Hereditary cancer-predisposing syndrome. Also called: Neoplastic Syndromes, Hereditary; Tumor predisposition; Hereditary Cancer Syndrome; Hereditary neoplastic syndrome. Identifiers: Orphanet 140162, MedGen C0027672, MeSH D009386, MONDO:0015356.

Submission:

Ambry Genetics
Classification: Uncertain significance for Hereditary cancer-predisposing syndrome. Last evaluated: 2026-04-04. Review status: criteria provided, single submitter. Criteria: Ambry Variant Classification Scheme 2023. Collection method: clinical testing. Allele origin: germline.
Comment: The p.V568L variant (also known as c.1702G>C) is located in coding exon 5 of the MET gene. The valine at codon 568 is replaced by leucine, an amino acid with highly similar properties. This change occurs in the first base pair of coding exon 5. This amino acid position is conserved. In addition, this alteration is predicted to be tolerated by in silico analysis. Based on the available evidence, the clinical significance of this variant remains unclear.

NM_000245.4(MET):c.1702G>C (p.Val568Leu)

Gene: MET (MET proto-oncogene, receptor tyrosine kinase; plus strand). Cytogenetic location: 7q31.2.
Variant type: single nucleotide variant.
Coding change: c.1702G>C on transcript NM_000245.4 (MANE Select); coding-DNA position 1702, G replaced by C.
Protein change: p.Val568Leu; replaces valine 568 with leucine.
Molecular consequence: missense variant.
Genome position (GRCh38, 1-based): chr7:116,755,355, G>C. VCF-style: chr7-116755355-G-C. GRCh37 (hg19) VCF-style: chr7-116395409-G-C.
Other names: c.1702G>C, p.Val568Leu (NM_001127500.3, NM_001324401.3); c.412G>C, p.Val138Leu (NM_001324402.2); short protein forms V138L, V568L.
Identifiers: ClinVar variation 4859956 (VCV004859956.1).
Genomic context (GRCh38, chr7:116,755,355, plus strand): 5'-ATATATGTGAAAAATTATAATATATTGGGTTTTTTTAAAAGTTCTATGTTGTCCTTGTAG[G>C]TTTTCCCAAATAGTGCACCCCTTGAAGGAGGGACAAGGCTGACCATATGTGGCTGGGACT-3'
Protein context (NP_000236.2, residues 558-578): QQICLPAIYK[Val568Leu]FPNSAPLEGG